The following is an entry in ClinVar:

NM_213622.4(STAMBP):c.112C>T (p.Arg38Cys)

Genes: STAMBP (STAM binding protein; plus strand), LOC126806253 (CDK7 strongly-dependent group 2 enhancer GRCh37_chr2:74057585-74058784; plus strand). Cytogenetic location: 2p13.1.
Variant type: single nucleotide variant.
Coding change: c.112C>T on transcript NM_213622.4 (MANE Select); coding-DNA position 112, C replaced by T.
Protein change: p.Arg38Cys; replaces arginine 38 with cysteine.
Molecular consequence: missense variant. On other transcripts: 5 prime UTR variant (5), non-coding transcript variant (4), intron variant (1).
Genome position (GRCh38, 1-based): chr2:73,830,968, C>T. VCF-style: chr2-73830968-C-T. GRCh37 (hg19) VCF-style: chr2-74058095-C-T.
Other names: NM_006463.4(STAMBP):c.112C>T(p.Arg38Cys); NM_201647.2(STAMBP):c.112C>T(p.Arg38Cys); NM_213622.2(STAMBP):c.112C>T(p.Arg38Cys); c.112C>T, p.Arg38Cys (NM_001353967.2, NM_001353968.2, NM_001353969.2 and 3 more transcripts); c.-442C>T (NM_001353971.2, NM_001353973.2, NM_001353974.2 and 2 more transcripts); c.-203+1972C>T (NM_001353972.2); c.112C>T (NM_213622.3); short protein forms R38C.
Identifiers: ClinVar variation 50793 (VCV000050793.60), dbSNP rs143739249, ClinGen allele CA263227.

ClinVar aggregate classification (germline): Pathogenic/Likely pathogenic. Review status: criteria provided, multiple submitters, no conflicts (2 of 4 stars). 11 submissions from 11 submitters: Pathogenic (5); Likely pathogenic (4). 2 of the submissions do not count toward it. Last evaluated 2026-08-06.

Conditions:
STAMBP-related disorder. Also called: STAMBP-related condition.
Microcephaly-capillary malformation syndrome (MICCAP). Identifiers: Orphanet 294016, MedGen C3280296, MONDO:0013659, OMIM 614261.

Allele frequency attached by ClinVar (database versions not stated): gnomAD exomes 0.00006; TOPMed 0.00008; gnomAD 0.00009; ESP Exome Variant Server 0.00023; ExAC 0.00004.

Submissions (11):

GeneDx
Classification: Likely pathogenic. Last evaluated: 2026-08-06. Review status: criteria provided, single submitter. Criteria: GeneDx Variant Classification Process June 2021. Collection method: clinical testing. Allele origin: germline.
Comment: In silico analysis supports that this missense variant has a deleterious effect on protein structure/function; Not observed at significant frequency in large population cohorts (gnomAD); This variant is associated with the following publications: (PMID: 23542699, 32929933, 33149276, 35723786, 35962715, 39169623)

Labcorp Genetics (formerly Invitae), Labcorp
Classification: Pathogenic. Last evaluated: 2026-01-26. Review status: criteria provided, single submitter. Criteria: Invitae Variant Classification Sherloc (09022015). Collection method: clinical testing. Allele origin: germline.
Comment: This sequence change replaces arginine, which is basic and polar, with cysteine, which is neutral and slightly polar, at codon 38 of the STAMBP protein (p.Arg38Cys). This variant is present in population databases (rs143739249, gnomAD 0.01%). This missense change has been observed in individual(s) with microcephaly-capillary malformation syndrome (PMID: 23542699). In at least one individual the data is consistent with being in trans (on the opposite chromosome) from a pathogenic variant. ClinVar contains an entry for this variant (Variation ID: 50793). Invitae Evidence Modeling of protein sequence and biophysical properties (such as structural, functional, and spatial information, amino acid conservation, physicochemical variation, residue mobility, and thermodynamic stability) indicates that this missense variant is expected to disrupt STAMBP protein function with a positive predictive value of 95%. For these reasons, this variant has been classified as Pathogenic.

Clinical Genomics Laboratory, Washington University in St. Louis
Classification: Pathogenic for Microcephaly-capillary malformation syndrome. Last evaluated: 2025-10-15. Review status: criteria provided, single submitter. Criteria: ACMG Guidelines, 2015. Collection method: clinical testing. Allele origin: germline. Affected: yes.
Comment: A STAMBP c.112C>T (p.Arg38Cys) variant was identified at a near heterozygous allelic fraction of 47.7%, a frequency which may be consistent with germline origin. This variant has been identified in the literature in several individuals with microcephaly-capillary malformation syndrome in trans with a second pathogenic variant and is reported to segregate with disease in at least four families (Mirzaa GM et al., PMID: 21815250; McDonell LM et al., PMID: 23542699). This variant has been reported in the ClinVar database as a germline likely pathogenic/pathogenic variant by several submitters (ClinVar variation ID: 50793). It is only observed on 182/1,614,042 alelles in the general population (gnomAD v4.1.0), indicating it is not a common variant. Based on available information and the ACMG/AMP guidelines for variant interpretation (Richards S et al., PMID: 25741868), this variant is classified as pathogenic.

Victorian Clinical Genetics Services, Murdoch Childrens Research Institute
Classification: Pathogenic for Microcephaly-capillary malformation syndrome. Last evaluated: 2024-10-09. Review status: criteria provided, single submitter. Criteria: ACMG Guidelines, 2015. Collection method: clinical testing. Allele origin: germline. Inheritance: Autosomal recessive inheritance. Affected: yes.
Comment: Based on the classification scheme VCGS_Germline_v1.3.4, this variant is classified as Pathogenic. Following criteria are met: 0102 - Loss of function is a known mechanism of disease in this gene and is associated with microcephaly-capillary malformation syndrome (MIM#614261). (I) 0106 - This gene is associated with autosomal recessive disease. (I) 0200 - Variant is predicted to result in a missense amino acid change from arginine to cysteine. (I) 0251 - This variant is heterozygous. (I) 0304 - Variant is present in gnomAD (v2) <0.01 for a recessive condition (15 heterozygotes, 0 homozygotes). (SP) 0309 - An alternative amino acid change at the same position has been observed in gnomAD (v3) (1 heterozygote, 0 homozygotes). (I) 0501 - Missense variant consistently predicted to be damaging by multiple in silico tools or highly conserved with a major amino acid change. (SP) 0600 - Variant is located in the annotated USP8 dimer domain (DECIPHER). (I) 0801 - This variant has strong previous evidence of pathogenicity in unrelated individuals. This variant has been classified as pathogenic or likely pathogenic by multiple clinical laboratories in ClinVar. This variant has also been observed in unrelated compound heterozygous individuals with microcephaly-capillary malformation syndrome, including one individual with this variant in trans with c.279+5G>T (DECIPHER, PMID: 23542699, 35723786). (SP) 0905 - No published segregation evidence has been identified for this variant. (I) 1201 - Heterozygous variant detected in trans with a second likely pathogenic heterozygous variant ( NM_213622.3:c.279+5G>T) in a recessive disease. (I) Legend: (SP) - Supporting pathogenic, (I) - Information, (SB) - Supporting benign

Blueprint Genetics
Classification: Likely pathogenic for STAMBP-related disorders. Last evaluated: 2021-08-10. Review status: criteria provided, single submitter. Criteria: ACMG Guidelines, 2015. Collection method: clinical testing. Allele origin: germline. Affected: yes. Observed: 3 variant alleles.

Institute of Medical Genetics and Applied Genomics, University Hospital Tübingen
Classification: Likely pathogenic. Last evaluated: 2020-10-23. Review status: criteria provided, single submitter. Criteria: ACMG Guidelines, 2015. Collection method: clinical testing. Allele origin: germline. Inheritance: Autosomal recessive inheritance. Affected: yes.

SIB Swiss Institute of Bioinformatics
Classification: Likely pathogenic for Microcephaly-capillary malformation syndrome. Last evaluated: 2018-05-31. Review status: criteria provided, single submitter. Criteria: ACMG Guidelines, 2015. Collection method: curation. Allele origin: unknown.
Comment: This variant is interpreted as a Likely Pathogenic, for Microcephaly-capillary malformation syndrome, in Autosomal Recessive manner. The following ACMG Tag(s) were applied: PM3 => For recessive disorders, detected in trans with a pathogenic variant (PMID:23542699). PP1 => Cosegregation with disease in multiple affected family members in a gene definitively known to cause the disease (PMID:23542699). PM2 => Absent from controls (or at extremely low frequency if recessive) in Exome Sequencing Project, 1000 Genomes Project, or Exome Aggregation Consortium. PS4-Supporting => PS4 downgraded in strength to Supporting (PMID:23542699).

CeGaT Center for Human Genetics Tuebingen
Classification: Pathogenic. Last evaluated: 2017-07-01. Review status: criteria provided, single submitter. Criteria: CeGaT Center For Human Genetics Tuebingen Variant Classification Criteria Version 2. Collection method: clinical testing. Allele origin: germline. Affected: yes. Observed: 1 variant allele.

Genetic Services Laboratory, University of Chicago
Classification: Pathogenic for Microcephaly-capillary malformation syndrome. Last evaluated: 2013-12-30. Review status: criteria provided, single submitter. Criteria: ACMG Guidelines, 2007. Collection method: clinical testing. Allele origin: germline. Inheritance: Autosomal recessive inheritance. Affected: yes.

OMIM
Classification: Pathogenic for MICROCEPHALY-CAPILLARY MALFORMATION SYNDROME. Last evaluated: 2013-05-01. Review status: no assertion criteria provided. Collection method: literature only. Allele origin: germline. Not counted in ClinVar's aggregate classification.

Cytogénomique, Hospices Civils de Lyon
Classification: Pathogenic for Microcephaly-capillary malformation syndrome. Review status: no assertion criteria provided. Collection method: clinical testing. Allele origin: inherited. Inheritance: Autosomal dominant inheritance. Affected: yes. Not counted in ClinVar's aggregate classification.

Literature cited by the submitters: PubMed 23542699 (cited by 4 submitters); PubMed 35723786 (cited by Victorian Clinical Genetics Services, Murdoch Childrens Research Institute); PubMed 21815250 (cited by OMIM).